The following is an entry in ClinVar:

NM_000492.4(CFTR):c.764del (p.Ile255fs)

Gene: CFTR (CF transmembrane conductance regulator; plus strand). Cytogenetic location: 7q31.2.
Variant type: Deletion.
Coding change: c.764del on transcript NM_000492.4 (MANE Select); coding-DNA position 764, one base deleted (T; older notation c.764delT).
Protein change: p.Ile255fs; shifts the reading frame from isoleucine 255.
Molecular consequence: frameshift variant.
Genome position (GRCh38, 1-based): chr7:117,536,568, T deleted. VCF-style (leftmost placement, unchanged base first): chr7-117536567-AT-A. GRCh37 (hg19) VCF-style: chr7-117176621-AT-A.
Other names: c.764delT (NM_000492.4); short protein forms I255fs.
Identifiers: ClinVar variation 2682475 (VCV002682475.1), dbSNP rs2485020167, ClinGen allele CA2697557573.

ClinVar aggregate classification (germline): Pathogenic (1 of 4 stars; one submission).

Conditions:
Cystic fibrosis (CF). Also called: MUCOVISCIDOSIS. Identifiers: Orphanet 586, MedGen C0010674, MONDO:0009061, OMIM 219700. Disease mechanism: loss of function.

Submission:

Women's Health and Genetics/Laboratory Corporation of America, LabCorp
Classification: Pathogenic for Cystic fibrosis. Last evaluated: 2023-11-13. Review status: criteria provided, single submitter. Criteria: LabCorp Variant Classification Summary - May 2015. Collection method: clinical testing. Allele origin: germline.
Comment: Variant summary: CFTR c.764delT (p.Ile255ThrfsX6) results in a premature termination codon, predicted to cause a truncation of the encoded protein or absence of the protein due to nonsense mediated decay, which are commonly known mechanisms for disease. The variant was absent in 228502 control chromosomes (gnomAD). c.764delT has been reported in the literature in at least one homozygous individual affected with Cystic Fibrosis (e.g., Sicko_2021). These data indicate that the variant is very likely to be associated with disease. To our knowledge, no experimental evidence demonstrating an impact on protein function has been reported. The following publication was ascertained in the context of this evaluation (PMID: 34842611). No submitters have reported clinical-significance assessments for this variant to ClinVar after 2014. Based on the evidence outlined above, the variant was classified as pathogenic.

Literature cited by the submitters: PubMed 34842611.